The following is an entry in ClinVar:

ClinVar aggregate classification (germline): Uncertain significance. Review status: criteria provided, multiple submitters, no conflicts (2 of 4 stars). 2 submissions from 2 submitters: Uncertain significance (2). Last evaluated 2025-06-03.

Submissions (2):

Ambry Genetics
Classification: Uncertain significance. Last evaluated: 2025-06-03. Review status: criteria provided, single submitter. Criteria: Ambry Variant Classification Scheme 2023. Collection method: clinical testing. Allele origin: germline.

Women's Health and Genetics/Laboratory Corporation of America, LabCorp
Classification: Uncertain significance. Last evaluated: 2024-05-22. Review status: criteria provided, single submitter. Criteria: LabCorp Variant Classification Summary - May 2015. Collection method: clinical testing. Allele origin: germline.
Comment: Variant summary: TNC c.419G>A (p.Cys140Tyr) results in a non-conservative amino acid change in the encoded protein sequence. Four of five in-silico tools predict a damaging effect of the variant on protein function. The variant was absent in 236950 control chromosomes. The available data on variant occurrences in the general population are insufficient to allow any conclusion about variant significance. To our knowledge, no occurrence of c.419G>A in individuals affected with Deafness, Autosomal Dominant 56 and no experimental evidence demonstrating its impact on protein function have been reported. No submitters have cited clinical-significance assessments for this variant to ClinVar. Based on the evidence outlined above, the variant was classified as uncertain significance.

NM_002160.4(TNC):c.419G>A (p.Cys140Tyr)

Gene: TNC (tenascin C; minus strand). Cytogenetic location: 9q33.1.
Variant type: single nucleotide variant.
Coding change: c.419G>A on transcript NM_002160.4 (MANE Select); coding-DNA position 419, G replaced by A.
Protein change: p.Cys140Tyr; replaces cysteine 140 with tyrosine.
Molecular consequence: missense variant.
Genome position (GRCh38, 1-based): chr9:115,090,600, C>T on the plus strand (G>A on the coding strand, the complement: TNC is on the minus strand). VCF-style: chr9-115090600-C-T. GRCh37 (hg19) VCF-style: chr9-117852879-C-T.
Other names: c.419G>A, p.Cys140Tyr (NM_001410991.1); c.419G>A (NM_002160.3); short protein forms C140Y.
Identifiers: ClinVar variation 3336454 (VCV003336454.2).